The following is an entry in ClinVar:

NM_007327.4(GRIN1):c.1676A>G (p.Gln559Arg)

Gene: GRIN1 (glutamate ionotropic receptor NMDA type subunit 1; plus strand). Cytogenetic location: 9q34.3.
Variant type: single nucleotide variant.
Coding change: c.1676A>G on transcript NM_007327.4 (MANE Select); coding-DNA position 1676, A replaced by G.
Protein change: p.Gln559Arg; replaces glutamine 559 with arginine.
Molecular consequence: missense variant.
Genome position (GRCh38, 1-based): chr9:137,162,215, A>G. VCF-style: chr9-137162215-A-G. GRCh37 (hg19) VCF-style: chr9-140056667-A-G.
Other names: c.1676A>G, p.Gln559Arg (NM_000832.7, NM_021569.4); c.1739A>G, p.Gln580Arg (NM_001185090.2, NM_001185091.2); short protein forms Q559R, Q580R.
Identifiers: ClinVar variation 3897183 (VCV003897183.1).
Genomic context (GRCh38, chr9:137,162,215, plus strand): 5'-CTCGCGTCCCTCCGCAGGAGATTCCCCGGAGCACGCTGGACTCGTTCATGCAGCCGTTCC[A>G]GAGCACACTGTGGCTGCTGGTGGGGCTGTCGGTGCACGTGGTGGCCGTGATGCTGTACCT-3'
Protein context (NP_015566.1, residues 549-569): STLDSFMQPF[Gln559Arg]STLWLLVGLS

ClinVar aggregate classification (germline): Pathogenic (1 of 4 stars; one submission).

Submission:

GeneDx
Classification: Pathogenic. Last evaluated: 2024-11-01. Review status: criteria provided, single submitter. Criteria: GeneDx Variant Classification Process June 2021. Collection method: clinical testing. Allele origin: germline. Affected: yes.
Comment: Published functional studies demonstrate a damaging effect, as Q559R impairs NMDA receptor activity and reduces surface expression, which may contribute to neurological defects (PMID: 37000222); Not observed at significant frequency in large population cohorts (gnomAD); In silico analysis indicates that this missense variant does not alter protein structure/function; This variant is associated with the following publications: (PMID: 28759686, 27164704, 37000222, 29453417)